The following is an entry in ClinVar:

ClinVar aggregate classification (germline): Likely pathogenic. Review status: criteria provided, multiple submitters, no conflicts (2 of 4 stars). 5 submissions from 5 submitters: Likely pathogenic (5). Last evaluated 2026-04-01.

Conditions:
Becker muscular dystrophy, Cardiomyopathy, Duchenne muscular dystrophy, Dystrophin deficiency.
Neuromuscular disease caused by qualitative or quantitative defects of dystrophin. Also called: Qualitative or quantitative defects of dystrophin. Identifiers: Orphanet 207085, MedGen C5679787, MONDO:0016147.
Duchenne muscular dystrophy (DMD). Also called: Duchenne Muscular Dystrophy (DMD); MUSCULAR DYSTROPHY, PSEUDOHYPERTROPHIC PROGRESSIVE, DUCHENNE TYPE. Identifiers: Orphanet 98896, MedGen C0013264, MONDO:0010679, OMIM 310200.
Becker muscular dystrophy (BMD). Also called: MUSCULAR DYSTROPHY, PSEUDOHYPERTROPHIC PROGRESSIVE, BECKER TYPE; Becker Muscular Dystrophy (BMD). Identifiers: Orphanet 98895, MedGen C0917713, MONDO:0010311, OMIM 300376.
Dilated cardiomyopathy 3B (CMD3B). Also called: CMD3B: DMD-Related Dilated Cardiomyopathy; CARDIOMYOPATHY, DILATED, X-LINKED; DMD-Associated Dilated Cardiomyopathy. Identifiers: Orphanet 154, MedGen C3668940, MONDO:0010542, OMIM 302045.

Submissions (5):

GeneDx
Classification: Likely pathogenic. Last evaluated: 2026-04-01. Review status: criteria provided, single submitter. Criteria: GeneDx Variant Classification Process June 2021. Collection method: clinical testing. Allele origin: germline.
Comment: Canonical splice site variant expected to result in aberrant splicing, although in the absence of functional evidence the actual effect of this sequence change is unknown.; Deletions involving coding exons of this gene are a known mechanism of disease (HGMD); Not observed at significant frequency in large population cohorts (gnomAD); This variant is associated with the following publications: (PMID: 27447704, 40364023)

Women's Health and Genetics/Laboratory Corporation of America, LabCorp
Classification: Likely pathogenic for Neuromuscular disease caused by qualitative or quantitative defects of dystrophin. Last evaluated: 2025-12-17. Review status: criteria provided, single submitter. Criteria: LabCorp Variant Classification Summary - May 2015. Collection method: clinical testing. Allele origin: germline.
Comment: Variant summary: DMD c.960+2T>G is located in a canonical splice-site and is predicted to affect mRNA splicing resulting in a significantly altered protein due to either exon skipping, shortening, or inclusion of intronic material. Variants that disrupt the consensus splice site are a relatively common cause of aberrant splicing and loss of DMD function. Several computational tools predict a significant impact on normal splicing: Three predict the variant abolishes a 5' splicing donor site. However, these predictions have yet to be confirmed by functional studies. The variant was absent in 181773 control chromosomes. c.960+2T>G has been reported in the literature in at least one individual affected with Duchenne Muscular Dystrophy (Stehlikova_2017). These data suggest the variant is likely associated with disease. To our knowledge, no experimental evidence demonstrating an impact on protein function has been reported. The following publication has been ascertained in the context of this evaluation (PMID: 27447704). No submitters have cited clinical-significance assessments for this variant to ClinVar. Based on the evidence outlined above, the variant was classified as likely pathogenic.

Natera, Inc.
Classification: Likely pathogenic for Becker muscular dystrophy, Cardiomyopathy, Duchenne muscular dystrophy, Dystrophin deficiency. Last evaluated: 2025-11-14. Review status: criteria provided, single submitter. Criteria: Natera Variant Classification Schema (03/2026). Collection method: clinical testing. Allele origin: germline.
Comment: The c.960+2T>G variant in DMD is a canonical splice donor site variant predicted to affect pre-mRNA splicing, which may result in an abnormal transcript and altered protein product. This variant is expected to result in nonsense mediated decay, truncation, or a dysfunctional protein product. This variant is rare in the general population with a frequency below the threshold expected for the associated phenotype(s). This variant has been observed in affected individual(s) with monoallelic occurrence (heterozygous/hemizygous) (PMID: 27447704). Given the available evidence, this variant is classified as Likely Pathogenic.

Labcorp Genetics (formerly Invitae), Labcorp
Classification: Likely pathogenic for Duchenne muscular dystrophy. Last evaluated: 2025-10-18. Review status: criteria provided, single submitter. Criteria: Invitae Variant Classification Sherloc (09022015). Collection method: clinical testing. Allele origin: germline.
Comment: This sequence change affects a donor splice site in intron 9 of the DMD gene. It is expected to disrupt RNA splicing. Variants that disrupt the donor or acceptor splice site typically lead to a loss of protein function (PMID: 16199547), and loss-of-function variants in DMD are known to be pathogenic (PMID: 16770791, 25007885). This variant is not present in population databases (gnomAD no frequency). Disruption of this splice site has been observed in individual(s) with muscular dystrophy (PMID: 27447704). ClinVar contains an entry for this variant (Variation ID: 3339833). Algorithms developed to predict the effect of sequence changes on RNA splicing suggest that this variant may disrupt the consensus splice site. In summary, the currently available evidence indicates that the variant is pathogenic, but additional data are needed to prove that conclusively. Therefore, this variant has been classified as Likely Pathogenic.

Fulgent Genetics
Classification: Likely pathogenic for Becker muscular dystrophy; Dilated cardiomyopathy 3B; Duchenne muscular dystrophy. Last evaluated: 2024-06-07. Review status: criteria provided, single submitter. Criteria: ACMG Guidelines, 2015. Collection method: clinical testing. Allele origin: germline.

Literature cited by the submitters: PubMed 27447704 (cited by 3 submitters); PubMed 16199547 (cited by Labcorp Genetics (formerly Invitae), Labcorp); PubMed 16770791 (cited by Labcorp Genetics (formerly Invitae), Labcorp); PubMed 25007885 (cited by Labcorp Genetics (formerly Invitae), Labcorp).

NM_004006.3(DMD):c.960+2T>G

Gene: DMD (dystrophin; minus strand). Cytogenetic location: Xp21.1.
Variant type: single nucleotide variant.
Coding change: c.960+2T>G on transcript NM_004006.3 (MANE Select); the canonical splice donor site of the intron after coding-DNA position 960, T replaced by G.
Molecular consequence: splice donor variant.
Genome position (GRCh38, 1-based): chrX:32,697,868, A>C on the plus strand (T>G on the coding strand, the complement: DMD is on the minus strand). VCF-style: chrX-32697868-A-C. GRCh37 (hg19) VCF-style: chrX-32715985-A-C.
Other names: c.936+2T>G (NM_000109.4); c.948+2T>G (NM_004009.3); c.591+2T>G (NM_004010.3).
Identifiers: ClinVar variation 3339833 (VCV003339833.8), dbSNP rs776457078.
Genomic context (GRCh38, chrX:32,697,868, plus strand): 5'-GTGTTAGATTATCTTGGAAGCAGTTCTCTGGTTTGTACAACAGAGAGTAAATGTTGACAG[A>C]CCTGTGAAGGAAATGGGCTCCGTGTAGGGTCAGAGGTGGTGACATAAGCAGCCTGTGTGT-3'